The following is an entry in ClinVar:

ClinVar aggregate classification (germline): Likely benign. Review status: criteria provided, multiple submitters, no conflicts (2 of 4 stars). 2 submissions from 2 submitters: Likely benign (2). Last evaluated 2026-09-01.

gnomAD v4.1: 4 of 1,610,584 alleles (0.00025%); highest among the groups gnomAD compares: Non-Finnish European, 0.000085%; no homozygotes.

Submissions (2):

CeGaT Center for Human Genetics Tuebingen
Classification: Likely benign. Last evaluated: 2026-09-01. Review status: criteria provided, single submitter. Criteria: CeGaT Center For Human Genetics Tuebingen Variant Classification Criteria Version 2. Collection method: clinical testing. Allele origin: germline. Affected: yes. Observed: 1 variant allele.
Comment: KCNV2: BP4, BP7

Labcorp Genetics (formerly Invitae), Labcorp
Classification: Likely benign. Last evaluated: 2024-09-14. Review status: criteria provided, single submitter. Criteria: Invitae Variant Classification Sherloc (09022015). Collection method: clinical testing. Allele origin: germline.

NM_133497.4(KCNV2):c.768G>A (p.Ser256=)

Gene: KCNV2 (potassium voltage-gated channel modifier subfamily V member 2; plus strand). Cytogenetic location: 9p24.2.
Variant type: single nucleotide variant.
Coding change: c.768G>A on transcript NM_133497.4 (MANE Select); coding-DNA position 768, G replaced by A.
Protein change: p.Ser256=; no amino-acid change (serine 256 retained).
Molecular consequence: synonymous variant.
Genome position (GRCh38, 1-based): chr9:2,718,507, G>A. VCF-style: chr9-2718507-G-A. GRCh37 (hg19) VCF-style: chr9-2718507-G-A.
Identifiers: ClinVar variation 3697286 (VCV003697286.3).